The following is an entry in ClinVar:

NM_000038.6(APC):c.6611G>T (p.Arg2204Leu)

Gene: APC (APC regulator of Wnt signaling pathway; plus strand). Cytogenetic location: 5q22.2.
Variant type: single nucleotide variant.
Coding change: c.6611G>T on transcript NM_000038.6 (MANE Select); coding-DNA position 6611, G replaced by T.
Protein change: p.Arg2204Leu; replaces arginine 2204 with leucine.
Molecular consequence: missense variant.
Genome position (GRCh38, 1-based): chr5:112,842,205, G>T. VCF-style: chr5-112842205-G-T. GRCh37 (hg19) VCF-style: chr5-112177902-G-T.
Other names: c.6611G>T, p.Arg2204Leu (NM_001127510.3, NM_001354895.2); c.6557G>T, p.Arg2186Leu (NM_001127511.3); c.6665G>T, p.Arg2222Leu (NM_001354896.2); c.6641G>T, p.Arg2214Leu (NM_001354897.2); c.6536G>T, p.Arg2179Leu (NM_001354898.2); c.6527G>T, p.Arg2176Leu (NM_001354899.2); c.6488G>T, p.Arg2163Leu (NM_001354900.2); c.6434G>T, p.Arg2145Leu (NM_001354901.2); and 5 more; short protein forms R2186L, R2204L, R2078L, R2163L, R1921L, R2103L, R2113L, R2145L.
Identifiers: ClinVar variation 470054 (VCV000470054.24), dbSNP rs1554087570, ClinGen allele CA16035795.
Genomic context (GRCh38, chr5:112,842,205, plus strand): 5'-AAAGTAAAGGAATCAAAGGAGGAAAAAAAGTTTATAAAAGTTTGATTACTGGAAAAGTTC[G>T]ATCTAATTCAGAAATTTCAGGCCAAATGAAACAGCCCCTTCAAGCAAACATGCCTTCAAT-3'
Protein context (NP_000029.2, residues 2194-2214): VYKSLITGKV[Arg2204Leu]SNSEISGQMK

ClinVar aggregate classification (germline): Uncertain significance. Review status: criteria provided, multiple submitters, no conflicts (2 of 4 stars). 5 submissions from 5 submitters: Uncertain significance (5). Last evaluated 2025-08-24.

Conditions:
Familial adenomatous polyposis 1 (FAP1). Also called: POLYPOSIS, ADENOMATOUS INTESTINAL; FAMILIAL ADENOMATOUS POLYPOSIS 1, ATTENUATED. Identifiers: MedGen C2713442, MONDO:0021056, OMIM 175100. Disease mechanism: loss of function.
Hereditary cancer-predisposing syndrome. Also called: Hereditary neoplastic syndrome; Neoplastic Syndromes, Hereditary; Tumor predisposition; Hereditary Cancer Syndrome. Identifiers: Orphanet 140162, MedGen C0027672, MeSH D009386, MONDO:0015356.
Classic or attenuated familial adenomatous polyposis. Identifiers: MedGen CN372698, MONDO:0021057.

gnomAD v4.1: 1 of 1,613,326 alleles (0.000062%); highest among the groups gnomAD compares: Non-Finnish European, 0.000085%; no homozygotes.

Submissions (5):

Labcorp Genetics (formerly Invitae), Labcorp
Classification: Uncertain significance for Familial adenomatous polyposis 1. Last evaluated: 2025-08-24. Review status: criteria provided, single submitter. Criteria: Invitae Variant Classification Sherloc (09022015). Collection method: clinical testing. Allele origin: germline.
Comment: This sequence change replaces arginine, which is basic and polar, with leucine, which is neutral and non-polar, at codon 2204 of the APC protein (p.Arg2204Leu). This variant is not present in population databases (gnomAD no frequency). This variant has not been reported in the literature in individuals affected with APC-related conditions. ClinVar contains an entry for this variant (Variation ID: 470054). Invitae Evidence Modeling of protein sequence and biophysical properties (such as structural, functional, and spatial information, amino acid conservation, physicochemical variation, residue mobility, and thermodynamic stability) indicates that this missense variant is not expected to disrupt APC protein function with a negative predictive value of 95%. In summary, the available evidence is currently insufficient to determine the role of this variant in disease. Therefore, it has been classified as a Variant of Uncertain Significance.

Ambry Genetics
Classification: Uncertain significance for Hereditary cancer-predisposing syndrome. Last evaluated: 2024-09-10. Review status: criteria provided, single submitter. Criteria: Ambry Variant Classification Scheme 2023. Collection method: clinical testing. Allele origin: germline.
Comment: The p.R2204L variant (also known as c.6611G>T), located in coding exon 15 of the APC gene, results from a G to T substitution at nucleotide position 6611. The arginine at codon 2204 is replaced by leucine, an amino acid with dissimilar properties. Missense alterations in APC are not a common cause of disease (Spier I et al. Genet Med. 2024 Feb;26(2):100992). This amino acid position is well conserved in available vertebrate species. In addition, in silico predictors for this gene do not accurately predict pathogenicity. Based on the available evidence, the clinical significance of this variant remains unclear.

All of Us Research Program, National Institutes of Health
Classification: Uncertain significance for Classic or attenuated familial adenomatous polyposis. Last evaluated: 2023-11-02. Review status: criteria provided, single submitter. Criteria: ACMG Guidelines, 2015. Collection method: clinical testing. Allele origin: germline. Inheritance: Autosomal dominant inheritance. Observed: 1 variant allele, 1 heterozygote.
Comment: This missense variant replaces arginine with leucine at codon 2204 of the APC protein. Computational prediction tools and conservation analyses suggest that this variant may have deleterious impact on the protein function. Computational splicing tools suggest that this variant may not impact RNA splicing. To our knowledge, functional assays have not been performed for this variant nor has this variant been reported in individuals affected with hereditary cancer in the literature. This variant has not been identified in the general population by the Genome Aggregation Database (gnomAD). Available evidence is insufficient to determine the role of this variant in disease conclusively. Therefore, this variant is classified as a Variant of Uncertain Significance.

This study involves interpretation of variants in research participants for the purpose of population health screening. Participant phenotype was not available at the time of variant classification. Additional details can be found in publication PMID: 35346344, PMCID: PMC8962531

Color Diagnostics, LLC DBA Color Health
Classification: Uncertain significance for Hereditary cancer-predisposing syndrome. Last evaluated: 2023-10-18. Review status: criteria provided, single submitter. Criteria: ACMG Guidelines, 2015. Collection method: clinical testing. Allele origin: germline.
Comment: This missense variant replaces arginine with leucine at codon 2204 of the APC protein. Computational prediction is inconclusive regarding the impact of this variant on protein structure and function (internally defined REVEL score threshold 0.5 < inconclusive < 0.7, PMID: 27666373). To our knowledge, functional studies have not been reported for this variant. This variant has not been reported in individuals affected with APC-related disorders in the literature. This variant has not been identified in the general population by the Genome Aggregation Database (gnomAD). The available evidence is insufficient to determine the role of this variant in disease conclusively. Therefore, this variant is classified as a Variant of Uncertain Significance.

GeneDx
Classification: Uncertain significance. Last evaluated: 2023-05-05. Review status: criteria provided, single submitter. Criteria: GeneDx Variant Classification Process June 2021. Collection method: clinical testing. Allele origin: germline. Affected: yes.
Comment: Not observed at significant frequency in large population cohorts (gnomAD); In silico analysis supports that this missense variant has a deleterious effect on protein structure/function; Has not been previously published as pathogenic or benign to our knowledge